The following is an entry in ClinVar:

ClinVar aggregate classification (germline): Conflicting classifications of pathogenicity. Review status: criteria provided, conflicting classifications (1 of 4 stars). 2 submissions from 2 submitters: Uncertain significance (1); Likely benign (1). Last evaluated 2023-07-01.

Conditions:
Loeys-Dietz syndrome 1 (LDS1). Also called: FURLONG SYNDROME; AORTIC ANEURYSM, FAMILIAL THORACIC 5; TGFBR1-Related Loeys-Dietz Syndrome. Identifiers: Orphanet 60030, MedGen C4551955, MONDO:0012212, OMIM 609192.

Allele frequency attached by ClinVar (database versions not stated): 1000 Genomes Project 30x 0.00016; 1000 Genomes Project 0.00020; TOPMed 0.00088; gnomAD 0.00092; gnomAD exomes 0.00148.
gnomAD v4.1: 233 of 214,992 alleles (0.11%); highest among the groups gnomAD compares: Non-Finnish European, 0.17%; no homozygotes.

Submissions (2):

CeGaT Center for Human Genetics Tuebingen
Classification: Likely benign. Last evaluated: 2023-07-01. Review status: criteria provided, single submitter. Criteria: CeGaT Center For Human Genetics Tuebingen Variant Classification Criteria Version 2. Collection method: clinical testing. Allele origin: germline. Affected: yes. Observed: 3 variant alleles.
Comment: TGFBR1: BS1

Illumina Laboratory Services, Illumina
Classification: Uncertain significance for Loeys-Dietz syndrome 1. Last evaluated: 2018-01-12. Review status: criteria provided, single submitter. Criteria: ICSL Variant Classification Criteria 13 December 2019. Collection method: clinical testing. Allele origin: germline.

NM_004612.4(TGFBR1):c.*4623G>C

Gene: TGFBR1 (transforming growth factor beta receptor 1; plus strand). Cytogenetic location: 9q22.33.
Variant type: single nucleotide variant.
Coding change: c.*4623G>C on transcript NM_004612.4 (MANE Select); 4623 bases downstream of the stop codon, G replaced by C.
Molecular consequence: 3 prime UTR variant.
Genome position (GRCh38, 1-based): chr9:99,153,928, G>C. VCF-style: chr9-99153928-G-C. GRCh37 (hg19) VCF-style: chr9-101916210-G-C.
Other names: c.*4623G>C (NM_001130916.3, NM_001306210.2).
Identifiers: ClinVar variation 364190 (VCV000364190.35), dbSNP rs200806851, ClinGen allele CA10634696.